The following is an entry in ClinVar:

NM_000059.4(BRCA2):c.5774_5777del (p.Gln1925fs)

Gene: BRCA2 (BRCA2 DNA repair associated; plus strand). Cytogenetic location: 13q13.1.
Variant type: Deletion.
Coding change: c.5774_5777del on transcript NM_000059.4 (MANE Select); coding-DNA positions 5774 to 5777, 4 bases deleted (AGAG; older notation c.5774_5777delAGAG).
Protein change: p.Gln1925fs; shifts the reading frame from glutamine 1925.
Molecular consequence: frameshift variant.
Genome position (GRCh38, 1-based): chr13:32,340,129-32,340,132, AGAG deleted. VCF-style (leftmost placement, unchanged base first): chr13-32340128-CAGAG-C. GRCh37 (hg19) VCF-style: chr13-32914265-CAGAG-C.
Other names: c.5774_5777delAGAG (NM_000059.3); short protein forms Q1925fs.
Identifiers: ClinVar variation 51934 (VCV000051934.3), dbSNP rs397507804, ClinGen allele CA023208.
Genomic context (GRCh38, chr13:32,340,128, plus strand): 5'-CATAACTCTCTAGATAATGATGAATGTAGCACGCATTCACATAAGGTTTTTGCTGACATT[CAGAG>C]TGAAGAAATTTTACAACATAACCAAAATATGTCTGGATTGGAGAAAGTTTCTAAAATATC-3'

ClinVar aggregate classification (germline): Pathogenic. Review status: reviewed by expert panel (3 of 4 stars). 2 submissions from 2 submitters: Pathogenic (1). 1 of the submissions does not count toward it. Last evaluated 2017-12-15.

Conditions:
Familial cancer of breast. Also called: BREAST CANCER, FAMILIAL; Hereditary breast cancer; hereditary breast carcinoma. Identifiers: Orphanet 227535, MedGen C0346153, MONDO:0016419, OMIM 114480. Disease mechanism: loss of function.
Breast-ovarian cancer, familial, susceptibility to, 2 (BROVCA2). Also called: BRCA2 Hereditary Breast and Ovarian Cancer. Identifiers: Orphanet 145, MedGen C2675520, MONDO:0012933, OMIM 612555. Disease mechanism: loss of function.

Submissions (2):

Evidence-based Network for the Interpretation of Germline Mutant Alleles (ENIGMA)
Classification: Pathogenic for Breast-ovarian cancer, familial, susceptibility to, 2. Last evaluated: 2017-12-15. Review status: reviewed by expert panel. Criteria: ENIGMA BRCA1/2 Classification Criteria (2017-06-29). Collection method: curation. Allele origin: germline. Study: ENIGMA.
Comment: Variant allele predicted to encode a truncated non-functional protein.

ClinVar Staff, National Center for Biotechnology Information (NCBI)
No classification provided. Condition: Familial cancer of breast. Review status: no classification provided. Collection method: literature only. Allele origin: germline. Affected: yes. Not counted in ClinVar's aggregate classification.

Literature cited by the submitters: PubMed 11102978 (cited by ClinVar Staff, National Center for Biotechnology Information (NCBI)).